The following is an entry in ClinVar:

NM_000081.4(LYST):c.10870G>A (p.Val3624Ile)

Gene: LYST (lysosomal trafficking regulator; minus strand). Cytogenetic location: 1q42.3.
Variant type: single nucleotide variant.
Coding change: c.10870G>A on transcript NM_000081.4 (MANE Select); coding-DNA position 10870, G replaced by A.
Protein change: p.Val3624Ile; replaces valine 3624 with isoleucine.
Molecular consequence: missense variant.
Genome position (GRCh38, 1-based): chr1:235,677,550, C>T on the plus strand (G>A on the coding strand, the complement: LYST is on the minus strand). VCF-style: chr1-235677550-C-T. GRCh37 (hg19) VCF-style: chr1-235840850-C-T.
Other names: c.10870G>A (NM_000081.3, NM_000081.2); c.10870G>A, p.Val3624Ile (NM_001301365.1); short protein forms V3624I.
Identifiers: ClinVar variation 806382 (VCV000806382.50), dbSNP rs776033238, ClinGen allele CA1465272.

ClinVar aggregate classification (germline): Uncertain significance. Review status: criteria provided, multiple submitters, no conflicts (2 of 4 stars). 6 submissions from 6 submitters: Uncertain significance (4). 2 of the submissions do not count toward it. Last evaluated 2025-08-28.

Conditions:
Meniere disease. Also called: Ménière's disease. Identifiers: MedGen C0025281, MONDO:0007972, OMIM 156000.
Chédiak-Higashi syndrome (CHS). Also called: Chediak-Higashi Syndrome. Identifiers: Orphanet 167, MedGen C0007965, MONDO:0008963, OMIM 214500.
Inborn genetic diseases. Identifiers: MedGen C0950123, MeSH D030342.

Allele frequency attached by ClinVar (database versions not stated): ExAC 0.00001; gnomAD exomes 0.00001; gnomAD 0.00003; TOPMed 0.00003.
gnomAD v4.1: 18 of 1,613,020 alleles (0.0011%); highest among the groups gnomAD compares: African/African-American, 0.0027%; no homozygotes.

Submissions (6):

Ambry Genetics
Classification: Uncertain significance for Inborn genetic diseases. Last evaluated: 2025-08-28. Review status: criteria provided, single submitter. Criteria: Ambry Variant Classification Scheme 2023. Collection method: clinical testing. Allele origin: germline.

Labcorp Genetics (formerly Invitae), Labcorp
Classification: Uncertain significance for Chédiak-Higashi syndrome. Last evaluated: 2022-07-13. Review status: criteria provided, single submitter. Criteria: Invitae Variant Classification Sherloc (09022015). Collection method: clinical testing. Allele origin: germline.
Comment: This sequence change replaces valine, which is neutral and non-polar, with isoleucine, which is neutral and non-polar, at codon 3624 of the LYST protein (p.Val3624Ile). This variant is present in population databases (rs776033238, gnomAD 0.003%). This variant has not been reported in the literature in individuals affected with LYST-related conditions. ClinVar contains an entry for this variant (Variation ID: 806382). Algorithms developed to predict the effect of missense changes on protein structure and function (SIFT, PolyPhen-2, Align-GVGD) all suggest that this variant is likely to be tolerated. In summary, the available evidence is currently insufficient to determine the role of this variant in disease. Therefore, it has been classified as a Variant of Uncertain Significance.

Revvity Omics, Revvity
Classification: Uncertain significance for Chédiak-Higashi syndrome. Last evaluated: 2019-05-03. Review status: criteria provided, single submitter. Criteria: ACMG Guidelines, 2015. Collection method: clinical testing. Allele origin: germline.

CeGaT Center for Human Genetics Tuebingen
Classification: Uncertain significance. Last evaluated: 2017-03-01. Review status: criteria provided, single submitter. Criteria: CeGaT Center For Human Genetics Tuebingen Variant Classification Criteria Version 2. Collection method: clinical testing. Allele origin: germline. Affected: yes. Observed: 1 variant allele.

Center for Computational Biology & Bioinformatics, University of California, San Diego
Classification: Uncertain significance for Meniere disease. Last evaluated: 2024-06-03. Review status: no assertion criteria provided. Collection method: research. Allele origin: germline. Affected: yes. Not counted in ClinVar's aggregate classification.

ISTH-SSC Genomics in Thrombosis and Hemostasis, KU Leuven, Center for Molecular and Vascular Biology
Classification: Uncertain significance for Chédiak-Higashi syndrome. Review status: no assertion criteria provided. Collection method: research. Allele origin: unknown. Affected: yes. Not counted in ClinVar's aggregate classification.
Comment: Submitted to GoldVariant by Dr Marie-Christine Morel-Kopp from Northern Blood Research Centre, Sydney, Australia